The following is an entry in ClinVar:

ClinVar aggregate classification (germline): Uncertain significance (1 of 4 stars; one submission).

Submission:

Labcorp Genetics (formerly Invitae), Labcorp
Classification: Uncertain significance. Last evaluated: 2025-08-18. Review status: criteria provided, single submitter. Criteria: Invitae Variant Classification Sherloc (09022015). Collection method: clinical testing. Allele origin: germline.
Comment: This sequence change replaces lysine, which is basic and polar, with glutamic acid, which is acidic and polar, at codon 348 of the USH1C protein (p.Lys348Glu). This variant is not present in population databases (gnomAD no frequency). This variant has not been reported in the literature in individuals affected with USH1C-related conditions. ClinVar contains an entry for this variant (Variation ID: 2128073). An algorithm developed to predict the effect of missense changes on protein structure and function (PolyPhen-2) suggests that this variant is likely to be tolerated. In summary, the available evidence is currently insufficient to determine the role of this variant in disease. Therefore, it has been classified as a Variant of Uncertain Significance.

NM_153676.4(USH1C):c.1042A>G (p.Lys348Glu)

Gene: USH1C (USH1 protein network component harmonin; minus strand). Cytogenetic location: 11p15.1.
Variant type: single nucleotide variant.
Coding change: c.1042A>G on transcript NM_153676.4 (MANE Select); coding-DNA position 1042, A replaced by G.
Protein change: p.Lys348Glu; replaces lysine 348 with glutamic acid.
Molecular consequence: missense variant. On other transcripts: non-coding transcript variant (1).
Genome position (GRCh38, 1-based): chr11:17,521,389, T>C on the plus strand (A>G on the coding strand, the complement: USH1C is on the minus strand). VCF-style: chr11-17521389-T-C. GRCh37 (hg19) VCF-style: chr11-17542936-T-C.
Other names: c.985A>G, p.Lys329Glu (NM_001297764.2); c.1042A>G, p.Lys348Glu (NM_005709.4); short protein forms K329E, K348E.
Identifiers: ClinVar variation 2128073 (VCV002128073.4), dbSNP rs2497144384, ClinGen allele CA379785974.